The following is an entry in ClinVar:

ClinVar aggregate classification (germline): Uncertain significance (1 of 4 stars; one submission).

gnomAD v4.1: 7 of 1,612,896 alleles (0.00043%); highest among the groups gnomAD compares: South Asian, 0.0011%; no homozygotes.

Submission:

Centre of Medical Genetics, University Hospital Muenster
Classification: Uncertain significance. Last evaluated: 2022-01-31. Review status: criteria provided, single submitter. Criteria: ACMG Guidelines, 2015. Collection method: clinical testing. Allele origin: unknown. Affected: yes. Observed: 1 variant allele, 1 heterozygote.
Comment: ACMG categories: PS4

NM_006035.4(CDC42BPB):c.703G>A (p.Val235Met)

Gene: CDC42BPB (CDC42 binding protein kinase beta; minus strand). Cytogenetic location: 14q32.32.
Variant type: single nucleotide variant.
Coding change: c.703G>A on transcript NM_006035.4 (MANE Select); coding-DNA position 703, G replaced by A.
Protein change: p.Val235Met; replaces valine 235 with methionine.
Molecular consequence: missense variant.
Genome position (GRCh38, 1-based): chr14:102,983,744, C>T on the plus strand (G>A on the coding strand, the complement: CDC42BPB is on the minus strand). VCF-style: chr14-102983744-C-T. GRCh37 (hg19) VCF-style: chr14-103450081-C-T.
Other names: c.703G>A, p.Val235Met (NM_001411054.1); short protein forms V235M.
Identifiers: ClinVar variation 1708377 (VCV001708377.2), dbSNP rs1184748794, ClinGen allele CA391092177.